The following is an entry in ClinVar:

ClinVar aggregate classification (germline): Benign/Likely benign. Review status: criteria provided, multiple submitters, no conflicts (2 of 4 stars). 7 submissions from 7 submitters: Benign (5); Likely benign (1). 1 of the submissions does not count toward it. Last evaluated 2026-01-29.

Conditions:
Focal segmental glomerulosclerosis 2 (FSGS2). Identifiers: Orphanet 656, MedGen C1858915, MONDO:0011390, OMIM 603965.
Prednisolone response. Identifiers: MedGen CN236771.
Focal segmental glomerulosclerosis (FSGS). Also called: Glomerulosclerosis, focal; Focal sclerosis with hyalinosis. Identifiers: MedGen C0017668, MONDO:0100313, HP:0000097. Disease mechanism: loss of function.

Allele frequency attached by ClinVar (database versions not stated): ESP Exome Variant Server 0.00323; TOPMed 0.00367; 1000 Genomes Project 0.00419; 1000 Genomes Project 30x 0.00484.
gnomAD v4.1: 8,444 of 1,612,764 alleles (0.52%); highest among the groups gnomAD compares: South Asian, 2%; 54 homozygotes.

Submissions (7):

Labcorp Genetics (formerly Invitae), Labcorp
Classification: Benign. Last evaluated: 2026-01-29. Review status: criteria provided, single submitter. Criteria: Invitae Variant Classification Sherloc (09022015). Collection method: clinical testing. Allele origin: germline.

Blueprint Genetics
Classification: Benign. Last evaluated: 2024-11-27. Review status: criteria provided, single submitter. Criteria: ACMG Guidelines, 2015. Collection method: clinical testing. Allele origin: germline.

Genome Diagnostics Laboratory, The Hospital for Sick Children
Classification: Likely benign for Focal segmental glomerulosclerosis. Last evaluated: 2022-09-06. Review status: criteria provided, single submitter. Criteria: ACMG Guidelines, 2015. Collection method: clinical testing. Allele origin: germline.

Illumina Laboratory Services, Illumina
Classification: Benign for Focal segmental glomerulosclerosis 2. Last evaluated: 2018-01-13. Review status: criteria provided, single submitter. Criteria: ICSL Variant Classification Criteria 13 December 2019. Collection method: clinical testing. Allele origin: germline.
Comment: This variant was observed in the ICSL laboratory as part of a predisposition screen in an ostensibly healthy population. It had not been previously curated by ICSL or reported in the Human Gene Mutation Database (HGMD: prior to June 1st, 2018), and was therefore a candidate for classification through an automated scoring system. Utilizing variant allele frequency, disease prevalence and penetrance estimates, and inheritance mode, an automated score was calculated to assess if this variant is too frequent to cause the disease. Based on the score and internal cut-off values, a variant classified as benign is not then subjected to further curation. The score for this variant resulted in a classification of benign for this disease.

Breakthrough Genomics
Classification: Benign. Review status: criteria provided, single submitter. Criteria: ACMG Guidelines, 2015. Collection method: not provided. Allele origin: germline. Inheritance: Autosomal dominant inheritance. Affected: yes.

PreventionGenetics, part of Exact Sciences
Classification: Benign. Review status: criteria provided, single submitter. Criteria: ACMG Guidelines, 2015. Collection method: clinical testing. Allele origin: germline.

Genetic Testing Lab, Ashok and Rita Patel Institute of Integrated Study and Research in Biotechnology and Allied Sciences
Classification: drug response for Prednisolone response. Last evaluated: 2016-01-18. Review status: no assertion criteria provided. Collection method: research. Allele origin: somatic. Affected: yes. Observed: 18 variant alleles. Not counted in ClinVar's aggregate classification.

NM_004621.6(TRPC6):c.2142G>T (p.Thr714=)

Gene: TRPC6 (transient receptor potential cation channel subfamily C member 6; minus strand). Cytogenetic location: 11q22.1.
Variant type: single nucleotide variant.
Coding change: c.2142G>T on transcript NM_004621.6 (MANE Select); coding-DNA position 2142, G replaced by T.
Protein change: p.Thr714=; no amino-acid change (threonine 714 retained).
Molecular consequence: synonymous variant.
Genome position (GRCh38, 1-based): chr11:101,472,200, C>A on the plus strand (G>T on the coding strand, the complement: TRPC6 is on the minus strand). VCF-style: chr11-101472200-C-A. GRCh37 (hg19) VCF-style: chr11-101342931-C-A.
Identifiers: ClinVar variation 236162 (VCV000236162.20), dbSNP rs145077205, ClinGen allele CA6244198.